The following is an entry in ClinVar:

ClinVar aggregate classification (germline): Benign (1 of 4 stars; one submission).

Conditions:
Mitochondrial DNA depletion syndrome, encephalomyopathic form with methylmalonic aciduria (MTDPS5). Also called: Mitochondrial encephalomyopathy aminoacidopathy; MITOCHONDRIAL DNA DEPLETION SYNDROME, ENCEPHALOMYOPATHIC FORM, WITH OR WITHOUT METHYLMALONIC ACIDURIA, AUTOSOMAL RECESSIVE, SUCLA2-RELATED; Mitochondrial DNA depletion syndrome 5 (encephalomyopathic with or without methylmalonic aciduria); SUCLA2-Related Mitochondrial DNA Depletion Syndrome, Encephalomyopathic Form with Methylmalonic Aciduria. Identifiers: Orphanet 1933, MedGen C5980207, MONDO:0012791, OMIM 612073.

Allele frequency attached by ClinVar (database versions not stated): 1000 Genomes Project 0.02137; TOPMed 0.02242; 1000 Genomes Project 30x 0.02374.

Submission:

Illumina Laboratory Services, Illumina
Classification: Benign for Mitochondrial DNA depletion syndrome, encephalomyopathic form with methylmalonic aciduria. Last evaluated: 2018-01-13. Review status: criteria provided, single submitter. Criteria: ICSL Variant Classification Criteria 13 December 2019. Collection method: clinical testing. Allele origin: germline.
Comment: This variant was observed in the ICSL laboratory as part of a predisposition screen in an ostensibly healthy population. It had not been previously curated by ICSL or reported in the Human Gene Mutation Database (HGMD: prior to June 1st, 2018), and was therefore a candidate for classification through an automated scoring system. Utilizing variant allele frequency, disease prevalence and penetrance estimates, and inheritance mode, an automated score was calculated to assess if this variant is too frequent to cause the disease. Based on the score and internal cut-off values, a variant classified as benign is not then subjected to further curation. The score for this variant resulted in a classification of benign for this disease.

NM_003850.3(SUCLA2):c.*661C>G

Gene: SUCLA2 (succinate-CoA ligase ADP-forming subunit beta; minus strand). Cytogenetic location: 13q14.2.
Variant type: single nucleotide variant.
Coding change: c.*661C>G on transcript NM_003850.3 (MANE Select); 661 bases downstream of the stop codon, C replaced by G.
Molecular consequence: 3 prime UTR variant.
Genome position (GRCh38, 1-based): chr13:47,942,710, G>C on the plus strand (C>G on the coding strand, the complement: SUCLA2 is on the minus strand). VCF-style: chr13-47942710-G-C. GRCh37 (hg19) VCF-style: chr13-48516845-G-C.
Identifiers: ClinVar variation 312253 (VCV000312253.5), dbSNP rs10397, ClinGen allele CA10644607.
Genomic context (GRCh38, chr13:47,942,710, plus strand): 5'-CCCAAATCATATTGGGAGATTTTTATTAACTTAAATTGACATTCTTAATTTTGTCTGTAA[G>C]TCCTTGGTATATATGCCTTTATTTGAAGCAAACCTACAGGTGTTTCTTAATATGACAGAA-3'